The following is an entry in ClinVar:

NM_000535.7(PMS2):c.1605T>A (p.Ser535=)

Gene: PMS2 (PMS1 homolog 2, mismatch repair system component; minus strand). Cytogenetic location: 7p22.1.
Variant type: single nucleotide variant.
Coding change: c.1605T>A on transcript NM_000535.7 (MANE Select); coding-DNA position 1605, T replaced by A.
Protein change: p.Ser535=; no amino-acid change (serine 535 retained).
Molecular consequence: synonymous variant. On other transcripts: non-coding transcript variant (1).
Genome position (GRCh38, 1-based): chr7:5,987,160, A>T on the plus strand (T>A on the coding strand, the complement: PMS2 is on the minus strand). VCF-style: chr7-5987160-A-T. GRCh37 (hg19) VCF-style: chr7-6026791-A-T.
Other names: c.1200T>A, p.Ser400= (NM_001322003.2, NM_001322004.2, NM_001322005.2 and 1 more transcripts); c.1449T>A, p.Ser483= (NM_001322006.2); c.1287T>A, p.Ser429= (NM_001322007.2, NM_001322008.2); c.1044T>A, p.Ser348= (NM_001322010.2); c.672T>A, p.Ser224= (NM_001322011.2, NM_001322012.2); c.1032T>A, p.Ser344= (NM_001322013.2); c.1605T>A, p.Ser535= (NM_001322014.2); c.1296T>A, p.Ser432= (NM_001322015.2); and 1 more.
Identifiers: ClinVar variation 1528391 (VCV001528391.10), dbSNP rs2128726944, ClinGen allele CA453746578.

ClinVar aggregate classification (germline): Benign/Likely benign. Review status: criteria provided, multiple submitters, no conflicts (2 of 4 stars). 3 submissions from 3 submitters: Benign (1); Likely benign (2). Last evaluated 2025-05-05.

Conditions:
Hereditary cancer-predisposing syndrome. Also called: Neoplastic Syndromes, Hereditary; Hereditary Cancer Syndrome; Tumor predisposition; Hereditary neoplastic syndrome. Identifiers: Orphanet 140162, MedGen C0027672, MeSH D009386, MONDO:0015356.
Lynch syndrome 4 (LYNCH4). Also called: Hereditary non-polyposis colorectal cancer, type 4; Colorectal cancer, hereditary nonpolyposis, type 4. Identifiers: Orphanet 144, MedGen C1838333, MONDO:0013699, OMIM 614337. Disease mechanism: loss of function.
Hereditary nonpolyposis colorectal neoplasms. Identifiers: MedGen C0009405, MeSH D003123.

Submissions (3):

Ambry Genetics
Classification: Likely benign for Hereditary cancer-predisposing syndrome. Last evaluated: 2025-05-05. Review status: criteria provided, single submitter. Criteria: Ambry Variant Classification Scheme 2023. Collection method: clinical testing. Allele origin: germline.

Myriad Genetics, Inc.
Classification: Benign for Lynch syndrome 4. Last evaluated: 2025-01-31. Review status: criteria provided, single submitter. Criteria: Myriad Autosomal Dominant, Autosomal Recessive and X-Linked Classification Criteria (2023). Collection method: clinical testing. Allele origin: unknown.
Comment: This variant is considered benign. This variant is a silent/synonymous amino acid change and it is not expected to impact splicing.

Labcorp Genetics (formerly Invitae), Labcorp
Classification: Likely benign for Hereditary nonpolyposis colorectal neoplasms. Last evaluated: 2023-06-29. Review status: criteria provided, single submitter. Criteria: Invitae Variant Classification Sherloc (09022015). Collection method: clinical testing. Allele origin: germline.